The following is an entry in ClinVar:

ClinVar aggregate classification (germline): Uncertain significance. Review status: criteria provided, multiple submitters, no conflicts (2 of 4 stars). 3 submissions from 3 submitters: Uncertain significance (3). Last evaluated 2025-05-24.

Conditions:
Cardiovascular phenotype. Identifiers: MedGen CN230736.
Desmin-related myofibrillar myopathy (MFM1). Also called: Myofibrillar myopathy 1; Desminopathy; Desmin related myopathy (former name); Desmin storage myopathy (former name); MYOFIBRILLAR MYOPATHY WITH ARRHYTHMOGENIC RIGHT VENTRICULAR CARDIOMYOPATHY; DESMIN-RELATED MYOPATHY WITH ARRHYTHMOGENIC RIGHT VENTRICULAR CARDIOMYOPATHY. Identifiers: Orphanet 363543, Orphanet 98909, MedGen C1832370, MONDO:0011076, OMIM 601419.

Submissions (3):

Ambry Genetics
Classification: Uncertain significance for Cardiovascular phenotype. Last evaluated: 2025-05-24. Review status: criteria provided, single submitter. Criteria: Ambry Variant Classification Scheme 2023. Collection method: clinical testing. Allele origin: germline.
Comment: The p.D181E variant (also known as c.543C>G), located in coding exon 1 of the DES gene, results from a C to G substitution at nucleotide position 543. The aspartic acid at codon 181 is replaced by glutamic acid, an amino acid with highly similar properties. This amino acid position is conserved. In addition, the in silico prediction for this alteration is inconclusive. Based on the available evidence, the clinical significance of this variant remains unclear.

Labcorp Genetics (formerly Invitae), Labcorp
Classification: Uncertain significance for Desmin-related myofibrillar myopathy. Last evaluated: 2023-05-30. Review status: criteria provided, single submitter. Criteria: Invitae Variant Classification Sherloc (09022015). Collection method: clinical testing. Allele origin: germline.
Comment: This variant is not present in population databases (gnomAD no frequency). This sequence change replaces aspartic acid, which is acidic and polar, with glutamic acid, which is acidic and polar, at codon 181 of the DES protein (p.Asp181Glu). This variant has not been reported in the literature in individuals affected with DES-related conditions. Advanced modeling of protein sequence and biophysical properties (such as structural, functional, and spatial information, amino acid conservation, physicochemical variation, residue mobility, and thermodynamic stability) has been performed at Invitae for this missense variant, however the output from this modeling did not meet the statistical confidence thresholds required to predict the impact of this variant on DES protein function. ClinVar contains an entry for this variant (Variation ID: 2134690). In summary, the available evidence is currently insufficient to determine the role of this variant in disease. Therefore, it has been classified as a Variant of Uncertain Significance.

GeneDx
Classification: Uncertain significance. Last evaluated: 2023-04-18. Review status: criteria provided, single submitter. Criteria: GeneDx Variant Classification Process June 2021. Collection method: clinical testing. Allele origin: germline. Affected: yes.
Comment: Has not been previously published as pathogenic or benign to our knowledge; Not observed at significant frequency in large population cohorts (gnomAD); In silico analysis supports that this missense variant has a deleterious effect on protein structure/function; This variant is associated with the following publications: (PMID: 26807690)

NM_001927.4(DES):c.543C>G (p.Asp181Glu)

Gene: DES (desmin; plus strand). Cytogenetic location: 2q35.
Variant type: single nucleotide variant.
Coding change: c.543C>G on transcript NM_001927.4 (MANE Select); coding-DNA position 543, C replaced by G.
Protein change: p.Asp181Glu; replaces aspartic acid 181 with glutamic acid.
Molecular consequence: missense variant. On other transcripts: intron variant (1).
Genome position (GRCh38, 1-based): chr2:219,419,005, C>G. VCF-style: chr2-219419005-C-G. GRCh37 (hg19) VCF-style: chr2-220283727-C-G.
Other names: c.543C>G, p.Asp181Glu (NM_001382708.1, NM_001382709.1, NM_001382710.1 and 2 more transcripts); c.495+48C>G (NM_001382713.1); short protein forms D181E.
Identifiers: ClinVar variation 2134690 (VCV002134690.6), dbSNP rs1954382613, ClinGen allele CA350687020.